The following is an entry in ClinVar:

ClinVar aggregate classification (germline): Uncertain significance (1 of 4 stars; one submission).

Conditions:
Glycogen storage disease due to muscle and heart glycogen synthase deficiency. Also called: GSD 0b; MUSCLE GLYCOGEN SYNTHASE DEFICIENCY. Identifiers: Orphanet 137625, MedGen C1969054, MONDO:0012693, OMIM 611556.

Submission:

Labcorp Genetics (formerly Invitae), Labcorp
Classification: Uncertain significance for Glycogen storage disease due to muscle and heart glycogen synthase deficiency. Last evaluated: 2022-09-01. Review status: criteria provided, single submitter. Criteria: Invitae Variant Classification Sherloc (09022015). Collection method: clinical testing. Allele origin: germline.
Comment: In summary, the available evidence is currently insufficient to determine the role of this variant in disease. Therefore, it has been classified as a Variant of Uncertain Significance. This variant has not been reported in the literature in individuals affected with GYS1-related conditions. This variant results in a copy number gain of the genomic region encompassing exon(s) 6-16 of the GYS1 gene. This region includes the termination codon of the gene. This copy number gain extends beyond the assayed region for this gene and therefore may encompass additional genes. As the precise location of this event is unknown, it may be in tandem or it may be located elsewhere in the genome.

NC_000019.9:g.(?_49472545)_(49486114_?)dup

Gene: GYS1 (glycogen synthase 1; minus strand). Cytogenetic location: 19q13.33.
Variant type: Duplication.
Identifiers: ClinVar variation 1511811 (VCV001511811.5).